The following is an entry in ClinVar:

ClinVar aggregate classification (germline): Uncertain significance (1 of 4 stars; one submission).

gnomAD v4.1: 1 of 1,604,604 alleles (0.000062%); highest among the groups gnomAD compares: African/African-American, 0.0013%; no homozygotes.

Submission:

Labcorp Genetics (formerly Invitae), Labcorp
Classification: Uncertain significance. Last evaluated: 2024-01-04. Review status: criteria provided, single submitter. Criteria: Invitae Variant Classification Sherloc (09022015). Collection method: clinical testing. Allele origin: germline.
Comment: This sequence change replaces arginine, which is basic and polar, with cysteine, which is neutral and slightly polar, at codon 2293 of the SPEG protein (p.Arg2293Cys). This variant is not present in population databases (gnomAD no frequency). This variant has not been reported in the literature in individuals affected with SPEG-related conditions. An algorithm developed to predict the effect of missense changes on protein structure and function (PolyPhen-2) suggests that this variant¬†is likely to be tolerated. In summary, the available evidence is currently insufficient to determine the role of this variant in disease. Therefore, it has been classified as a Variant of Uncertain Significance.

NM_005876.5(SPEG):c.6877C>T (p.Arg2293Cys)

Genes: ASIC4-AS1 (ASIC4 antisense RNA 1; minus strand), SPEG (striated muscle enriched protein kinase; plus strand). Cytogenetic location: 2q35.
Variant type: single nucleotide variant.
Coding change: c.6877C>T on transcript NM_005876.5 (MANE Select); coding-DNA position 6877, C replaced by T.
Protein change: p.Arg2293Cys; replaces arginine 2293 with cysteine.
Molecular consequence: missense variant.
Genome position (GRCh38, 1-based): chr2:219,484,340, C>T. VCF-style: chr2-219484340-C-T. GRCh37 (hg19) VCF-style: chr2-220349062-C-T.
Other names: short protein forms R2293C.
Identifiers: ClinVar variation 2815098 (VCV002815098.1), dbSNP rs1693170172, ClinGen allele CA350699957.
Genomic context (GRCh38, chr2:219,484,340, plus strand): 5'-AAGCCCCACGCTGCTGTCTTTGCCAGGGTGGCCTCCCCACCTCCGGGAGCCCCCGAGAAG[C>T]GCGTGCCCTCAGCCGGGGGTCCCCCGGTGCTAGCCGAGAAAGCCCGAGTTCCCACGGTGC-3'
Protein context (NP_005867.3, residues 2283-2303): ASPPPGAPEK[Arg2293Cys]VPSAGGPPVL